The following is an entry in ClinVar:

ClinVar aggregate classification (germline): Benign (1 of 4 stars; one submission).

Allele frequency attached by ClinVar (database versions not stated): 1000 Genomes Project 0.45327; 1000 Genomes Project 30x 0.45940; gnomAD 0.48655 and 0.49620; TOPMed 0.50097.
gnomAD v4.1: 73,809 of 151,920 alleles (49%); highest among the groups gnomAD compares: African/African-American, 58%; 18,428 homozygotes.

Submission:

GeneDx
Classification: Benign. Last evaluated: 2018-06-14. Review status: criteria provided, single submitter. Criteria: GeneDx Variant Classification (06012015). Collection method: clinical testing. Allele origin: germline. Affected: yes.
Comment: This variant is considered likely benign or benign based on one or more of the following criteria: it is a conservative change, it occurs at a poorly conserved position in the protein, it is predicted to be benign by multiple in silico algorithms, and/or has population frequency not consistent with disease.

NM_153717.3(EVC):c.1776+206C>G

Gene: EVC (EvC ciliary complex subunit 1; plus strand). Cytogenetic location: 4p16.2.
Variant type: single nucleotide variant.
Coding change: c.1776+206C>G on transcript NM_153717.3 (MANE Select); 206 bases into the intron after coding-DNA position 1776, C replaced by G.
Molecular consequence: intron variant.
Genome position (GRCh38, 1-based): chr4:5,783,970, C>G. VCF-style: chr4-5783970-C-G. GRCh37 (hg19) VCF-style: chr4-5785697-C-G.
Other names: c.1776+206C>G (NM_001306090.2).
Identifiers: ClinVar variation 667841 (VCV000667841.1), dbSNP rs2878427, ClinGen allele CA11634306.